The following is an entry in ClinVar:

NM_004628.5(XPC):c.2782A>T (p.Lys928Ter)

Gene: XPC (XPC complex subunit, DNA damage recognition and repair factor; minus strand). Cytogenetic location: 3p25.1.
Variant type: single nucleotide variant.
Coding change: c.2782A>T on transcript NM_004628.5 (MANE Select); coding-DNA position 2782, A replaced by T.
Protein change: p.Lys928Ter; replaces lysine 928 with a stop codon.
Molecular consequence: nonsense. On other transcripts: non-coding transcript variant (2).
Genome position (GRCh38, 1-based): chr3:14,145,982, T>A on the plus strand (A>T on the coding strand, the complement: XPC is on the minus strand). VCF-style: chr3-14145982-T-A. GRCh37 (hg19) VCF-style: chr3-14187482-T-A.
Other names: c.2203A>T, p.Lys735Ter (NM_001354726.2); c.2776A>T, p.Lys926Ter (NM_001354727.2); c.2764A>T, p.Lys922Ter (NM_001354729.2); c.2536A>T, p.Lys846Ter (NM_001354730.2); short protein forms K928*, K926*, K922*, K735*, K846*.
Identifiers: ClinVar variation 557637 (VCV000557637.3), dbSNP rs3731177, ClinGen allele CA351536825.

ClinVar aggregate classification (germline): Uncertain significance. Review status: criteria provided, single submitter (1 of 4 stars). 2 submissions from 2 submitters: Uncertain significance (1). 1 of the submissions does not count toward it. Last evaluated 2025-09-02.

Conditions:
Xeroderma pigmentosum, group C (XPC). Also called: XPC-Related Xeroderma Pigmentosum; XERODERMA PIGMENTOSUM III; XP, GROUP C; Xeroderma pigmentosum, complementation group C. Identifiers: Orphanet 910, MedGen C2752147, MONDO:0010211, OMIM 278720.

Submissions (2):

Myriad Genetics, Inc.
Classification: Uncertain significance for Xeroderma pigmentosum, group C. Last evaluated: 2025-09-02. Review status: criteria provided, single submitter. Criteria: Myriad Autosomal Dominant, Autosomal Recessive and X-Linked Classification Criteria (2023). Collection method: clinical testing. Allele origin: unknown.
Comment: NM_004628.4(XPC):c.2782A>T(K928*) is a nonsense variant classified as a variant of uncertain significance in the context of xeroderma pigmentosum group C. K928* has not been observed in cases with relevant disease. Relevant functional assessments of this variant are not available in the literature. K928* has not been observed in referenced population frequency databases. In summary, there is insufficient evidence to classify NM_004628.4(XPC):c.2782A>T(K928*) as pathogenic or benign. Please note: this variant was assessed in the context of healthy population screening.

Counsyl
Classification: Uncertain significance for Xeroderma pigmentosum, group C. Last evaluated: 2018-04-03. Review status: no assertion criteria provided. Collection method: clinical testing. Allele origin: unknown. Not counted in ClinVar's aggregate classification.